The following is an entry in ClinVar:

ClinVar aggregate classification (germline): Conflicting classifications of pathogenicity. Review status: criteria provided, conflicting classifications (1 of 4 stars). 2 submissions from 2 submitters: Likely pathogenic (1); Uncertain significance (1). Last evaluated 2021-09-01.

Conditions:
X-linked Alport syndrome (ATS1). Also called: NEPHROPATHY AND DEAFNESS, X-LINKED; COL4A5-Related Nephropathy. Identifiers: Orphanet 63, Orphanet 88917, MedGen C4746986, MONDO:0010520, OMIM 301050.

Submissions (2):

Labcorp Genetics (formerly Invitae), Labcorp
Classification: Uncertain significance. Last evaluated: 2021-09-01. Review status: criteria provided, single submitter. Criteria: Invitae Variant Classification Sherloc (09022015). Collection method: clinical testing. Allele origin: germline.

Fulgent Genetics
Classification: Likely pathogenic for X-linked Alport syndrome. Last evaluated: 2021-06-30. Review status: criteria provided, single submitter. Criteria: ACMG Guidelines, 2015. Collection method: clinical testing. Allele origin: unknown.
Comment: This variant has been detected in individual(s) who were sent for testing of Renasight - kidney gene panel.

NM_033380.3(COL4A5):c.1877G>T (p.Gly626Val)

Gene: COL4A5 (collagen type IV alpha 5 chain; plus strand). Cytogenetic location: Xq22.3.
Variant type: single nucleotide variant.
Coding change: c.1877G>T on transcript NM_033380.3 (MANE Select); coding-DNA position 1877, G replaced by T.
Protein change: p.Gly626Val; replaces glycine 626 with valine.
Molecular consequence: missense variant.
Genome position (GRCh38, 1-based): chrX:108,598,799, G>T. VCF-style: chrX-108598799-G-T. GRCh37 (hg19) VCF-style: chrX-107842029-G-T.
Other names: c.1877G>T, p.Gly626Val (NM_000495.5); short protein forms G626V.
Identifiers: ClinVar variation 1034483 (VCV001034483.6), dbSNP rs104886143, ClinGen allele CA413845793.